The following is an entry in ClinVar:

ClinVar aggregate classification (germline): Uncertain significance (1 of 4 stars; one submission).

Submission:

GeneDx
Classification: Uncertain significance. Last evaluated: 2024-10-24. Review status: criteria provided, single submitter. Criteria: GeneDx Variant Classification Process June 2021. Collection method: clinical testing. Allele origin: germline. Affected: yes.
Comment: Not observed at significant frequency in large population cohorts (gnomAD); In silico analysis supports that this missense variant has a deleterious effect on protein structure/function; Has not been previously published as pathogenic or benign to our knowledge

NM_001162501.2(TNRC6B):c.1754G>T (p.Ser585Ile)

Gene: TNRC6B (trinucleotide repeat containing adaptor 6B; plus strand). Cytogenetic location: 22q13.1.
Variant type: single nucleotide variant.
Coding change: c.1754G>T on transcript NM_001162501.2 (MANE Select); coding-DNA position 1754, G replaced by T.
Protein change: p.Ser585Ile; replaces serine 585 with isoleucine.
Molecular consequence: missense variant. On other transcripts: intron variant (1).
Genome position (GRCh38, 1-based): chr22:40,265,984, G>T. VCF-style: chr22-40265984-G-T. GRCh37 (hg19) VCF-style: chr22-40661988-G-T.
Other names: c.1754G>T, p.Ser585Ile (NM_015088.3); c.565+3811G>T (NM_001024843.2); short protein forms S585I.
Identifiers: ClinVar variation 3369232 (VCV003369232.1).
Genomic context (GRCh38, chr22:40,265,984, plus strand): 5'-CAGGAAGTGAAGTTGGAGGTCAAAGCACTGGAAGCAACCACAAAGCAGGAAGTAGTGACA[G>T]TCATAACTCTGGCCGTCGGTCGTACAGGCCCACACATCCTGATTGTCAGGCTGTCTTGCA-3'
Protein context (NP_001155973.1, residues 575-595): GSNHKAGSSD[Ser585Ile]HNSGRRSYRP